The following is an entry in ClinVar:

ClinVar aggregate classification (germline): Pathogenic. Review status: criteria provided, multiple submitters, no conflicts (2 of 4 stars). 10 submissions from 10 submitters: Pathogenic (9). 1 of the submissions does not count toward it. Last evaluated 2025-09-10.

Conditions:
Gastric cancer. Also called: Stomach cancer; Malignant tumor of stomach. Identifiers: MedGen C0024623, MeSH D013274, MONDO:0001056, OMIM 613659, HP:0012126.
NF1-related disorder. Also called: NF1-related condition. Identifiers: MedGen CN379171.
Neurofibromatosis, type 1 (NF1). Also called: VON RECKLINGHAUSEN DISEASE; NEUROFIBROMATOSIS, TYPE I, SOMATIC; Peripheral type neurofibromatosis; Neurofibromatosis, type I. Identifiers: Orphanet 636, MedGen C0027831, MONDO:0018975, OMIM 162200. Disease mechanism: loss of function.

Submissions (10):

Labcorp Genetics (formerly Invitae), Labcorp
Classification: Pathogenic for Neurofibromatosis, type 1. Last evaluated: 2025-09-10. Review status: criteria provided, single submitter. Criteria: Invitae Variant Classification Sherloc (09022015). Collection method: clinical testing. Allele origin: germline.
Comment: This sequence change affects an acceptor splice site in intron 2 of the NF1 gene. It is expected to disrupt RNA splicing. Variants that disrupt the donor or acceptor splice site typically lead to a loss of protein function (PMID: 16199547), and loss-of-function variants in NF1 are known to be pathogenic (PMID: 10712197, 23913538). This variant is not present in population databases (gnomAD no frequency). Disruption of this splice site has been observed in individual(s) with neurofibromatosis type 1 (PMID: 23913538, 25541118). Invitae Evidence Modeling of clinical and family history, age, sex, and reported ancestry of multiple individuals with this NF1 variant has been performed. This variant is expected to be pathogenic with a positive predictive value of at least 99%. This is a validated machine learning model that incorporates the clinical features of 1,785,918 individuals referred to our laboratory for NF1 testing. ClinVar contains an entry for this variant (Variation ID: 547564). Studies have shown that disruption of this splice site alters mRNA splicing and is expected to lead to the loss of protein expression (PMID: 23913538). For these reasons, this variant has been classified as Pathogenic.

NHS Central & South Genomic Laboratory Hub
Classification: Pathogenic for Neurofibromatosis type 1. Last evaluated: 2025-04-09. Review status: criteria provided, single submitter. Criteria: ACMG Guidelines, 2015. Collection method: clinical testing. Allele origin: germline. Affected: yes.

Institute of Medical Genetics and Applied Genomics, University Hospital Tübingen
Classification: Pathogenic for Neurofibromatosis, type 1. Last evaluated: 2025-02-26. Review status: criteria provided, single submitter. Criteria: ACMG Guidelines, 2015. Collection method: clinical testing. Allele origin: germline. Inheritance: Autosomal dominant inheritance. Affected: yes.

Swedish National ChiCaP Initative, Genomic Medicine Sweden
Classification: Pathogenic for NF1-related disorder. Last evaluated: 2024-05-01. Review status: criteria provided, single submitter. Criteria: ACMG Guidelines, 2015. Collection method: clinical testing. Allele origin: de novo. Affected: yes.

GeneDx
Classification: Pathogenic. Last evaluated: 2023-07-06. Review status: criteria provided, single submitter. Criteria: GeneDx Variant Classification Process June 2021. Collection method: clinical testing. Allele origin: germline. Affected: yes.
Comment: Canonical splice site variant predicted to result in a null allele in a gene for which loss of function is a known mechanism of disease; Not observed at significant frequency in large population cohorts (gnomAD); Identified in patients with NF1 referred for genetic testing at GeneDx and in published literature (Sabbagh et al., 2013; Duat Rodrguez et al., 2015); This variant is associated with the following publications: (PMID: 23913538, 25541118, 36988593)

Blueprint Genetics
Classification: Pathogenic for NF1-related disorders. Last evaluated: 2022-12-22. Review status: criteria provided, single submitter. Criteria: ACMG Guidelines, 2015. Collection method: clinical testing. Allele origin: germline. Affected: yes. Observed: 1 variant allele.

CeGaT Center for Human Genetics Tuebingen
Classification: Pathogenic. Last evaluated: 2022-09-01. Review status: criteria provided, single submitter. Criteria: CeGaT Center For Human Genetics Tuebingen Variant Classification Criteria Version 2. Collection method: clinical testing. Allele origin: germline. Affected: yes. Observed: 1 variant allele.
Comment: NF1: PVS1, PM2

Genome-Nilou Lab
Classification: Pathogenic for Neurofibromatosis, type 1. Last evaluated: 2022-03-15. Review status: criteria provided, single submitter. Criteria: ACMG Guidelines, 2015. Collection method: clinical testing. Allele origin: germline. Affected: no.

Center for Human Genetics, Inc
Classification: Pathogenic for Neurofibromatosis, type 1. Last evaluated: 2016-11-01. Review status: criteria provided, single submitter. Criteria: ACMG Guidelines, 2015. Collection method: clinical testing. Allele origin: germline. Affected: yes.

Laboratory for Genotyping Development, RIKEN
Classification: Pathogenic for Gastric cancer. Last evaluated: 2021-07-01. Review status: no assertion criteria provided. Collection method: research. Allele origin: germline. Not counted in ClinVar's aggregate classification.

Literature cited by the submitters: PubMed 16199547 (cited by Labcorp Genetics (formerly Invitae), Labcorp); PubMed 10712197 (cited by Labcorp Genetics (formerly Invitae), Labcorp); PubMed 23913538 (cited by Labcorp Genetics (formerly Invitae), Labcorp); PubMed 25541118 (cited by Labcorp Genetics (formerly Invitae), Labcorp); PubMed 36988593 (cited by Laboratory for Genotyping Development, RIKEN).

NM_001042492.3(NF1):c.205-1G>C

Gene: NF1 (neurofibromin 1; plus strand). Cytogenetic location: 17q11.2.
Variant type: single nucleotide variant.
Coding change: c.205-1G>C on transcript NM_001042492.3 (MANE Select); the canonical splice acceptor site of the intron before coding-DNA position 205, G replaced by C.
Molecular consequence: splice acceptor variant.
Genome position (GRCh38, 1-based): chr17:31,159,009, G>C. VCF-style: chr17-31159009-G-C. GRCh37 (hg19) VCF-style: chr17-29486027-G-C.
Other names: c.205-1G>C (NM_000267.4, NM_001128147.3).
Identifiers: ClinVar variation 547564 (VCV000547564.59), dbSNP rs1555605362, ClinGen allele CA398989475.